The following is an entry in ClinVar:

ClinVar aggregate classification (germline): Uncertain significance (1 of 4 stars; one submission).

Conditions:
Pontocerebellar hypoplasia type 8 (PCH8). Identifiers: Orphanet 324569, MedGen C3554209, MONDO:0013990, OMIM 614961.

Allele frequency attached by ClinVar (database versions not stated): ExAC 0.00001.
gnomAD v4.1: 1 of 1,613,606 alleles (0.000062%); highest among the groups gnomAD compares: Admixed American, 0.0017%; no homozygotes.

Submission:

Baylor Genetics
Classification: Uncertain significance for Pontocerebellar hypoplasia type 8. Last evaluated: 2019-02-01. Review status: criteria provided, single submitter. Criteria: ACMG Guidelines, 2015. Collection method: clinical testing. Allele origin: unknown. Affected: yes.
Comment: This variant was determined to be of uncertain significance according to ACMG Guidelines, 2015 [PMID:25741868].

NM_002768.5(CHMP1A):c.106-3C>T

Gene: CHMP1A (charged multivesicular body protein 1A; minus strand). Cytogenetic location: 16q24.3.
Variant type: single nucleotide variant.
Coding change: c.106-3C>T on transcript NM_002768.5 (MANE Select); 3 bases into the intron before coding-DNA position 106, C replaced by T.
Molecular consequence: intron variant.
Genome position (GRCh38, 1-based): chr16:89,649,500, G>A on the plus strand (C>T on the coding strand, the complement: CHMP1A is on the minus strand). VCF-style: chr16-89649500-G-A. GRCh37 (hg19) VCF-style: chr16-89715908-G-A.
Other names: c.86-3C>T (NM_001083314.4).
Identifiers: ClinVar variation 1028044 (VCV001028044.1), dbSNP rs765715151, ClinGen allele CA8247143.